The following is an entry in ClinVar:

ClinVar aggregate classification (germline): Uncertain significance (1 of 4 stars; one submission).

gnomAD v4.1: 38 of 1,614,010 alleles (0.0024%); highest among the groups gnomAD compares: Non-Finnish European, 0.0031%; no homozygotes.

Submission:

Ambry Genetics
Classification: Uncertain significance. Last evaluated: 2026-06-17. Review status: criteria provided, single submitter. Criteria: Ambry Variant Classification Scheme 2023. Collection method: clinical testing. Allele origin: germline.
Comment: The c.1067T>C (p.I356T) alteration is located in exon 11 (coding exon 11) of the HEATR9 gene. This alteration results from a T to C substitution at nucleotide position 1067, causing the isoleucine (I) at amino acid position 356 to be replaced by a threonine (T). Based on data from gnomAD, the C allele has an overall frequency of 0.001% (3/282880) total alleles studied. The highest observed frequency was 0.003% (1/35438) of Latino alleles. Based on insufficient or conflicting evidence, the clinical significance of this alteration remains unclear.

NM_152781.4(HEATR9):c.1067T>C (p.Ile356Thr)

Gene: HEATR9 (HEAT repeat containing 9; minus strand). Cytogenetic location: 17q12.
Variant type: single nucleotide variant.
Coding change: c.1067T>C on transcript NM_152781.4 (MANE Select); coding-DNA position 1067, T replaced by C.
Protein change: p.Ile356Thr; replaces isoleucine 356 with threonine.
Molecular consequence: missense variant. On other transcripts: non-coding transcript variant (1).
Genome position (GRCh38, 1-based): chr17:35,858,285, A>G on the plus strand (T>C on the coding strand, the complement: HEATR9 is on the minus strand). VCF-style: chr17-35858285-A-G. GRCh37 (hg19) VCF-style: chr17-34185289-A-G.
Other names: c.947T>C, p.Ile316Thr (NM_001321395.2); short protein forms I316T, I356T.
Identifiers: ClinVar variation 5022632 (VCV005022632.1).
Genomic context (GRCh38, chr17:35,858,285, plus strand): 5'-CTCCTGAGCAGGTTAAATGTGAGTTCCTCTAGCCCCTGTGCCTGGATCTGTTCCAGCCCA[A>G]TGGTCTTGAGCATTTGGGTGGCTTCAAAGCGGTCCTGAGGTCGGGGGTGAGGGTTAGTGG-3'
Protein context (NP_689994.2, residues 346-366): RFEATQMLKT[Ile356Thr]GLEQIQAQGL